The following is an entry in ClinVar:

ClinVar aggregate classification (germline): Uncertain significance (1 of 4 stars; one submission).

gnomAD v4.1: 13 of 1,614,106 alleles (0.00081%); highest among the groups gnomAD compares: South Asian, 0.0022%; no homozygotes.

Submission:

Labcorp Genetics (formerly Invitae), Labcorp
Classification: Uncertain significance. Last evaluated: 2024-03-24. Review status: criteria provided, single submitter. Criteria: Invitae Variant Classification Sherloc (09022015). Collection method: clinical testing. Allele origin: germline.
Comment: This sequence change replaces glycine, which is neutral and non-polar, with serine, which is neutral and polar, at codon 1269 of the PCNT protein (p.Gly1269Ser). This variant is present in population databases (rs760175380, gnomAD 0.003%). This variant has not been reported in the literature in individuals affected with PCNT-related conditions. Algorithms developed to predict the effect of missense changes on protein structure and function output the following: SIFT: "Not Available"; PolyPhen-2: "Probably Damaging"; Align-GVGD: "Not Available". The serine amino acid residue is found in multiple mammalian species, which suggests that this missense change does not adversely affect protein function. In summary, the available evidence is currently insufficient to determine the role of this variant in disease. Therefore, it has been classified as a Variant of Uncertain Significance.

NM_006031.6(PCNT):c.3805G>A (p.Gly1269Ser)

Gene: PCNT (pericentrin; plus strand). Cytogenetic location: 21q22.3.
Variant type: single nucleotide variant.
Coding change: c.3805G>A on transcript NM_006031.6 (MANE Select); coding-DNA position 3805, G replaced by A.
Protein change: p.Gly1269Ser; replaces glycine 1269 with serine.
Molecular consequence: missense variant.
Genome position (GRCh38, 1-based): chr21:46,389,396, G>A. VCF-style: chr21-46389396-G-A. GRCh37 (hg19) VCF-style: chr21-47809311-G-A.
Other names: c.3451G>A, p.Gly1151Ser (NM_001315529.2); short protein forms G1151S, G1269S.
Identifiers: ClinVar variation 3716990 (VCV003716990.2).